The following is an entry in ClinVar:

ClinVar aggregate classification (germline): Uncertain significance (1 of 4 stars; one submission).

Conditions:
Leigh syndrome (NULS). Also called: Leigh Disease; Leigh's syndrome; Subacute necrotizing encephalopathy; Necrotizing encephalopathy infantile subacute of Leigh; LEIGH SYNDROME, NUCLEAR; Leigh's necrotizing encephalopathy. Identifiers: Orphanet 506, MedGen C2931891, MONDO:0009723, OMIM 256000.

Submission:

Labcorp Genetics (formerly Invitae), Labcorp
Classification: Uncertain significance for Leigh syndrome. Last evaluated: 2019-04-11. Review status: criteria provided, single submitter. Criteria: Invitae Variant Classification Sherloc (09022015). Collection method: clinical testing. Allele origin: germline.
Comment: In summary, the available evidence is currently insufficient to determine the role of this variant in disease. Therefore, it has been classified as a Variant of Uncertain Significance. Algorithms developed to predict the effect of missense changes on protein structure and function are either unavailable or do not agree on the potential impact of this missense change (SIFT: "Tolerated"; PolyPhen-2: "Probably Damaging"; Align-GVGD: "Class C15"). This variant has not been reported in the literature in individuals with SURF1-related conditions. This variant is not present in population databases (ExAC no frequency). This sequence change replaces arginine with proline at codon 84 of the SURF1 protein (p.Arg84Pro). The arginine residue is moderately conserved and there is a moderate physicochemical difference between arginine and proline.

NM_003172.4(SURF1):c.251G>C (p.Arg84Pro)

Gene: SURF1 (SURF1 cytochrome c oxidase assembly factor; minus strand). Cytogenetic location: 9q34.2.
Variant type: single nucleotide variant.
Coding change: c.251G>C on transcript NM_003172.4 (MANE Select); coding-DNA position 251, G replaced by C.
Protein change: p.Arg84Pro; replaces arginine 84 with proline.
Molecular consequence: missense variant. On other transcripts: 5 prime UTR variant (1).
Genome position (GRCh38, 1-based): chr9:133,354,731, C>G on the plus strand (G>C on the coding strand, the complement: SURF1 is on the minus strand). VCF-style: chr9-133354731-C-G. GRCh37 (hg19) VCF-style: chr9-136221586-C-G.
Other names: c.-77G>C (NM_001280787.1); short protein forms R84P.
Identifiers: ClinVar variation 864330 (VCV000864330.9), dbSNP rs782044026, ClinGen allele CA375694685.
Genomic context (GRCh38, chr9:133,354,731, plus strand): 5'-GGGACAGGCTCAGCCAGAACTCTGGACTCCAACTCTGCAATCAGGTTCAGCTTCCACTTC[C>G]GACGCTGGACCTACAGTGACAGAGCATAAGGCCAAGCAGATGGCAGCAAGGTCAAGGGCC-3'
Protein context (NP_003163.1, residues 74-94): FGLGTWQVQR[Arg84Pro]KWKLNLIAEL